The following is an entry in ClinVar:

ClinVar aggregate classification (germline): Conflicting classifications of pathogenicity. Review status: criteria provided, conflicting classifications (1 of 4 stars). 2 submissions from 2 submitters: Likely pathogenic (1); Uncertain significance (1). Last evaluated 2025-11-25.

Allele frequency attached by ClinVar (database versions not stated): gnomAD exomes 0.00004.
gnomAD v4.1: 27 of 1,613,134 alleles (0.0017%); highest among the groups gnomAD compares: Admixed American, 0.045%; no homozygotes.

Submissions (2):

Labcorp Genetics (formerly Invitae), Labcorp
Classification: Likely pathogenic. Last evaluated: 2025-11-25. Review status: criteria provided, single submitter. Criteria: Invitae Variant Classification Sherloc (09022015). Collection method: clinical testing. Allele origin: germline.
Comment: This sequence change affects an acceptor splice site in intron 4 of the SEC24D gene. It is expected to disrupt RNA splicing. Variants that disrupt the donor or acceptor splice site typically lead to a loss of protein function (PMID: 16199547), and loss-of-function variants in SEC24D are known to be pathogenic (PMID: 25683121, 30462379). This variant is present in population databases (rs770063654, gnomAD 0.08%). This variant has not been reported in the literature in individuals affected with SEC24D-related conditions. ClinVar contains an entry for this variant (Variation ID: 1517926). Algorithms developed to predict the effect of sequence changes on RNA splicing suggest that this variant may disrupt the consensus splice site. In summary, the currently available evidence indicates that the variant is pathogenic, but additional data are needed to prove that conclusively. Therefore, this variant has been classified as Likely Pathogenic.

GeneDx
Classification: Uncertain significance. Last evaluated: 2025-06-26. Review status: criteria provided, single submitter. Criteria: GeneDx Variant Classification Process June 2021. Collection method: clinical testing. Allele origin: germline. Affected: yes.
Comment: Canonical splice site variant predicted to result in an in-frame loss of the adjacent exon in a gene for which loss of function is a known mechanism of disease; Has not been previously published as pathogenic or benign to our knowledge

Literature cited by the submitters: PubMed 16199547 (cited by Labcorp Genetics (formerly Invitae), Labcorp); PubMed 25683121 (cited by Labcorp Genetics (formerly Invitae), Labcorp); PubMed 30462379 (cited by Labcorp Genetics (formerly Invitae), Labcorp).

NM_014822.4(SEC24D):c.398-2A>C

Gene: SEC24D (SEC24 homolog D, COPII component; minus strand). Cytogenetic location: 4q26.
Variant type: single nucleotide variant.
Coding change: c.398-2A>C on transcript NM_014822.4 (MANE Select); the canonical splice acceptor site of the intron before coding-DNA position 398, A replaced by C.
Molecular consequence: splice acceptor variant.
Genome position (GRCh38, 1-based): chr4:118,815,728, T>G on the plus strand (A>C on the coding strand, the complement: SEC24D is on the minus strand). VCF-style: chr4-118815728-T-G. GRCh37 (hg19) VCF-style: chr4-119736883-T-G.
Other names: c.398-2A>C (NM_001318066.2).
Identifiers: ClinVar variation 1517926 (VCV001517926.9), dbSNP rs770063654, ClinGen allele CA3057547.